The following is an entry in ClinVar:

NM_000368.5(TSC1):c.1958T>G (p.Ile653Arg)

Gene: TSC1 (TSC complex subunit 1; minus strand). Cytogenetic location: 9q34.13.
Variant type: single nucleotide variant.
Coding change: c.1958T>G on transcript NM_000368.5 (MANE Select); coding-DNA position 1958, T replaced by G.
Protein change: p.Ile653Arg; replaces isoleucine 653 with arginine.
Molecular consequence: missense variant.
Genome position (GRCh38, 1-based): chr9:132,905,620, A>C on the plus strand (T>G on the coding strand, the complement: TSC1 is on the minus strand). VCF-style: chr9-132905620-A-C. GRCh37 (hg19) VCF-style: chr9-135781007-A-C.
Other names: c.1955T>G, p.Ile652Arg (NM_001162426.2, NM_001406597.1, NM_001406598.1 and 6 more transcripts); c.1805T>G, p.Ile602Arg (NM_001162427.2, NM_001406610.1); c.1595T>G, p.Ile532Arg (NM_001362177.2, NM_001406614.1, NM_001406615.1 and 5 more transcripts); c.1958T>G, p.Ile653Arg (NM_001406592.1, NM_001406593.1, NM_001406594.1 and 7 more transcripts); c.1802T>G, p.Ile601Arg (NM_001406611.1, NM_001406612.1, NM_001406613.1); c.1592T>G, p.Ile531Arg (NM_001406620.1, NM_001406621.1, NM_001406622.1 and 2 more transcripts); c.1007T>G, p.Ile336Arg (NM_001406626.1); c.1004T>G, p.Ile335Arg (NM_001406627.1, NM_001406628.1); and 1 more; short protein forms I335R, I531R, I652R, I653R, I302R, I601R, I602R, I336R.
Identifiers: ClinVar variation 1783360 (VCV001783360.2), dbSNP rs2131809977, ClinGen allele CA375362413.

ClinVar aggregate classification (germline): Uncertain significance (1 of 4 stars; one submission).

Conditions:
Hereditary cancer-predisposing syndrome. Also called: Neoplastic Syndromes, Hereditary; Tumor predisposition; Hereditary Cancer Syndrome; Hereditary neoplastic syndrome. Identifiers: Orphanet 140162, MedGen C0027672, MeSH D009386, MONDO:0015356.

Submission:

Ambry Genetics
Classification: Uncertain significance for Hereditary cancer-predisposing syndrome. Last evaluated: 2021-06-10. Review status: criteria provided, single submitter. Criteria: Ambry Variant Classification Scheme 2023. Collection method: clinical testing. Allele origin: germline.
Comment: The p.I653R variant (also known as c.1958T>G), located in coding exon 13 of the TSC1 gene, results from a T to G substitution at nucleotide position 1958. The isoleucine at codon 653 is replaced by arginine, an amino acid with similar properties. This amino acid position is not well conserved in available vertebrate species. In addition, this alteration is predicted to be deleterious by in silico analysis. Since supporting evidence is limited at this time, the clinical significance of this alteration remains unclear.